The following is an entry in ClinVar:

ClinVar aggregate classification (germline): Uncertain significance (1 of 4 stars; one submission).

Conditions:
Diamond-Blackfan anemia. Also called: Blackfan Diamond syndrome; Aregenerative anemia chronic congenital; Red cell aplasia, pure hereditary; Congenital hypoplastic anemia; Aase syndrome. Identifiers: Orphanet 124, MedGen C1260899, MeSH D029503, MONDO:0015253, HP:0004810.
GATA binding protein 1 related thrombocytopenia with dyserythropoiesis. Also called: GATA1-Related Cytopenia; GATA1-Related X-Linked Cytopenia. Identifiers: MedGen C1845837, MONDO:0100089.

Submission:

Labcorp Genetics (formerly Invitae), Labcorp
Classification: Uncertain significance for GATA binding protein 1 related thrombocytopenia with dyserythropoiesis; Diamond-Blackfan anemia. Last evaluated: 2025-04-22. Review status: criteria provided, single submitter. Criteria: Invitae Variant Classification Sherloc (09022015). Collection method: clinical testing. Allele origin: germline.
Comment: This sequence change replaces leucine, which is neutral and non-polar, with phenylalanine, which is neutral and non-polar, at codon 156 of the GATA1 protein (p.Leu156Phe). This variant is not present in population databases (gnomAD no frequency). This variant has not been reported in the literature in individuals affected with GATA1-related conditions. Invitae Evidence Modeling of protein sequence and biophysical properties (such as structural, functional, and spatial information, amino acid conservation, physicochemical variation, residue mobility, and thermodynamic stability) indicates that this missense variant is not expected to disrupt GATA1 protein function with a negative predictive value of 95%. In summary, the available evidence is currently insufficient to determine the role of this variant in disease. Therefore, it has been classified as a Variant of Uncertain Significance.

NM_002049.4(GATA1):c.466C>T (p.Leu156Phe)

Gene: GATA1 (GATA binding protein 1; plus strand). Cytogenetic location: Xp11.23.
Variant type: single nucleotide variant.
Coding change: c.466C>T on transcript NM_002049.4 (MANE Select); coding-DNA position 466, C replaced by T.
Protein change: p.Leu156Phe; replaces leucine 156 with phenylalanine.
Molecular consequence: missense variant.
Genome position (GRCh38, 1-based): chrX:48,792,089, C>T. VCF-style: chrX-48792089-C-T. GRCh37 (hg19) VCF-style: chrX-48650496-C-T.
Other names: short protein forms L156F.
Identifiers: ClinVar variation 4787652 (VCV004787652.1).